The following is an entry in ClinVar:

NM_000062.3(SERPING1):c.1442T>C (p.Leu481Pro)

Gene: SERPING1 (serpin family G member 1; plus strand). Cytogenetic location: 11q12.1.
Variant type: single nucleotide variant.
Coding change: c.1442T>C on transcript NM_000062.3 (MANE Select); coding-DNA position 1442, T replaced by C.
Protein change: p.Leu481Pro; replaces leucine 481 with proline.
Molecular consequence: missense variant.
Genome position (GRCh38, 1-based): chr11:57,614,520, T>C. VCF-style: chr11-57614520-T-C. GRCh37 (hg19) VCF-style: chr11-57381993-T-C.
Other names: c.1442T>C, p.Leu481Pro (NM_001032295.2); short protein forms L481P.
Identifiers: ClinVar variation 3256139 (VCV003256139.2).

ClinVar aggregate classification (germline): Pathogenic (1 of 4 stars; one submission).

Conditions:
Hereditary angioedema type 1 (HAE1). Identifiers: Orphanet 100050, Orphanet 100051, Orphanet 91378, MedGen C2717906, MONDO:0015053, OMIM 106100.

Submission:

DNA-diagnostics Laboratory, Research Centre For Medical Genetics
Classification: Pathogenic for Hereditary angioedema type 1. Last evaluated: 2024-07-28. Review status: criteria provided, single submitter. Criteria: ACMG Guidelines, 2015. Collection method: research. Allele origin: germline. Inheritance: Autosomal dominant inheritance. Affected: yes. Observed: 2 variant alleles, 2 heterozygotes. Clinical features observed: Angioedema (HP:0100665), C1 esterase inhibitor deficiency.
Comment: According to our observation and published information (Verpy et al., 1995, Verpy et al., 1996, Nabilou et al., 2020), the c.1442T>C variant in SERPING1 meets ACMG/ClinGen SVI guidance criteria to be classified as pathogenic: PP4_Str, PS4_Mod, PP3_Mod, PS3_Sup, PM2_Sup, PP1, PP2

Literature cited by the submitters: PubMed 7814636; PubMed 8755917; PubMed 32896191.